The following is an entry in ClinVar:

ClinVar aggregate classification (germline): Uncertain significance. Review status: criteria provided, multiple submitters, no conflicts (2 of 4 stars). 2 submissions from 2 submitters: Uncertain significance (2). Last evaluated 2025-08-01.

Allele frequency attached by ClinVar (database versions not stated): gnomAD exomes below 0.00001 and 0.00001; TOPMed 0.00001; gnomAD 0.00002.
gnomAD v4.1: 8 of 1,613,674 alleles (0.0005%); highest among the groups gnomAD compares: Non-Finnish European, 0.00068%; no homozygotes.

Submissions (2):

CeGaT Center for Human Genetics Tuebingen
Classification: Uncertain significance. Last evaluated: 2025-08-01. Review status: criteria provided, single submitter. Criteria: CeGaT Center For Human Genetics Tuebingen Variant Classification Criteria Version 2. Collection method: clinical testing. Allele origin: germline. Affected: yes. Observed: 1 variant allele.
Comment: OTULIN: PM2

Labcorp Genetics (formerly Invitae), Labcorp
Classification: Uncertain significance. Last evaluated: 2022-09-27. Review status: criteria provided, single submitter. Criteria: Invitae Variant Classification Sherloc (09022015). Collection method: clinical testing. Allele origin: germline.
Comment: Algorithms developed to predict the effect of missense changes on protein structure and function are either unavailable or do not agree on the potential impact of this missense change (SIFT: "Deleterious"; PolyPhen-2: "Benign"; Align-GVGD: "Class C0"). ClinVar contains an entry for this variant (Variation ID: 1359396). This variant has not been reported in the literature in individuals affected with OTULIN-related conditions. This variant is present in population databases (no rsID available, gnomAD 0.005%). This sequence change replaces glutamic acid, which is acidic and polar, with glutamine, which is neutral and polar, at codon 63 of the OTULIN protein (p.Glu63Gln). In summary, the available evidence is currently insufficient to determine the role of this variant in disease. Therefore, it has been classified as a Variant of Uncertain Significance.

NM_138348.6(OTULIN):c.187G>C (p.Glu63Gln)

Gene: OTULIN (OTU deubiquitinase with linear linkage specificity; plus strand). Cytogenetic location: 5p15.2.
Variant type: single nucleotide variant.
Coding change: c.187G>C on transcript NM_138348.6 (MANE Select); coding-DNA position 187, G replaced by C.
Protein change: p.Glu63Gln; replaces glutamic acid 63 with glutamine.
Molecular consequence: missense variant.
Genome position (GRCh38, 1-based): chr5:14,673,676, G>C. VCF-style: chr5-14673676-G-C. GRCh37 (hg19) VCF-style: chr5-14673785-G-C.
Other names: short protein forms E63Q.
Identifiers: ClinVar variation 1359396 (VCV001359396.16), dbSNP rs1237157737, ClinGen allele CA359242445.
Genomic context (GRCh38, chr5:14,673,676, plus strand): 5'-AAATGTCTGCTTTGGTGTAATTTCAGTGAGGAGGACATGTACCGTGCTGCAGATGAAATA[G>C]AAAAGGAGAAAGAATTGCTTATACATGAAAGAGGGGCATCAGGTATGTTTGGAATTGTTT-3'
Protein context (NP_612357.4, residues 53-73): EDMYRAADEI[Glu63Gln]KEKELLIHER